The following is an entry in ClinVar:

NM_000069.3(CACNA1S):c.2442T>C (p.Ala814=)

Gene: CACNA1S (calcium voltage-gated channel subunit alpha1 S; minus strand). Cytogenetic location: 1q32.1.
Variant type: single nucleotide variant.
Coding change: c.2442T>C on transcript NM_000069.3 (MANE Select); coding-DNA position 2442, T replaced by C.
Protein change: p.Ala814=; no amino-acid change (alanine 814 retained).
Molecular consequence: synonymous variant.
Genome position (GRCh38, 1-based): chr1:201,069,520, A>G on the plus strand (T>C on the coding strand, the complement: CACNA1S is on the minus strand). VCF-style: chr1-201069520-A-G. GRCh37 (hg19) VCF-style: chr1-201038648-A-G.
Identifiers: ClinVar variation 715114 (VCV000715114.10), dbSNP rs1198118590, ClinGen allele CA422687828.

ClinVar aggregate classification (germline): Likely benign. Review status: criteria provided, multiple submitters, no conflicts (2 of 4 stars). 2 submissions from 2 submitters: Likely benign (2). Last evaluated 2023-12-12.

Conditions:
Malignant hyperthermia, susceptibility to, 5 (MHS5). Also called: CACNA1S-Related Malignant Hyperthermia Susceptibility. Identifiers: Orphanet 423, MedGen C1866077, MONDO:0011163, OMIM 601887.
Hypokalemic periodic paralysis, type 1. Also called: Hypokalemic Periodic Paralysis Type 1 (AD); HypoPP. Identifiers: Orphanet 681, MedGen C3714580, MONDO:0042979, OMIM 170400.

Allele frequency attached by ClinVar (database versions not stated): TOPMed below 0.00001; gnomAD 0.00001; gnomAD exomes 0.00001.
gnomAD v4.1: 4 of 1,592,986 alleles (0.00025%); highest among the groups gnomAD compares: Non-Finnish European, 0.00034%; no homozygotes.

Submissions (2):

Labcorp Genetics (formerly Invitae), Labcorp
Classification: Likely benign for Hypokalemic periodic paralysis, type 1; Malignant hyperthermia, susceptibility to, 5. Last evaluated: 2023-12-12. Review status: criteria provided, single submitter. Criteria: Invitae Variant Classification Sherloc (09022015). Collection method: clinical testing. Allele origin: germline.

All of Us Research Program, National Institutes of Health
Classification: Likely benign for Malignant hyperthermia, susceptibility to, 5. Last evaluated: 2023-08-15. Review status: criteria provided, single submitter. Criteria: ACMG Guidelines, 2015. Collection method: clinical testing. Allele origin: germline. Inheritance: Autosomal dominant inheritance. Observed: 1 variant allele, 1 heterozygote.
Comment: This study involves interpretation of variants in research participants for the purpose of population health screening. Participant phenotype was not available at the time of variant classification. Additional details can be found in publication PMID: 35346344, PMCID: PMC8962531